The following is an entry in ClinVar:

NM_000316.3(PTH1R):c.1538G>A (p.Gly513Glu)

Gene: PTH1R (parathyroid hormone 1 receptor; plus strand). Cytogenetic location: 3p21.31.
Variant type: single nucleotide variant.
Coding change: c.1538G>A on transcript NM_000316.3 (MANE Select); coding-DNA position 1538, G replaced by A.
Protein change: p.Gly513Glu; replaces glycine 513 with glutamic acid.
Molecular consequence: missense variant.
Genome position (GRCh38, 1-based): chr3:46,903,412, G>A. VCF-style: chr3-46903412-G-A. GRCh37 (hg19) VCF-style: chr3-46944902-G-A.
Other names: c.1538G>A, p.Gly513Glu (NM_001184744.1); short protein forms G513E.
Identifiers: ClinVar variation 3667743 (VCV003667743.2).

ClinVar aggregate classification (germline): Uncertain significance (1 of 4 stars; one submission).

Submission:

Labcorp Genetics (formerly Invitae), Labcorp
Classification: Uncertain significance. Last evaluated: 2024-08-13. Review status: criteria provided, single submitter. Criteria: Invitae Variant Classification Sherloc (09022015). Collection method: clinical testing. Allele origin: germline.
Comment: This sequence change replaces glycine, which is neutral and non-polar, with glutamic acid, which is acidic and polar, at codon 513 of the PTH1R protein (p.Gly513Glu). This variant is present in population databases (rs763653658, gnomAD 0.01%). This variant has not been reported in the literature in individuals affected with PTH1R-related conditions. Invitae Evidence Modeling of protein sequence and biophysical properties (such as structural, functional, and spatial information, amino acid conservation, physicochemical variation, residue mobility, and thermodynamic stability) indicates that this missense variant is not expected to disrupt PTH1R protein function with a negative predictive value of 80%. In summary, the available evidence is currently insufficient to determine the role of this variant in disease. Therefore, it has been classified as a Variant of Uncertain Significance.